The following is an entry in ClinVar:

ClinVar aggregate classification (germline): Uncertain significance (1 of 4 stars; one submission).

gnomAD v4.1: 15 of 1,167,040 alleles (0.0013%); highest among the groups gnomAD compares: Non-Finnish European, 0.0017%; no homozygotes.

Submissions (2):

Labcorp Genetics (formerly Invitae), Labcorp
Classification: Uncertain significance. Last evaluated: 2024-12-19. Review status: criteria provided, single submitter. Criteria: Invitae Variant Classification Sherloc (09022015). Collection method: clinical testing. Allele origin: germline.
Comment: This sequence change replaces aspartic acid, which is acidic and polar, with glycine, which is neutral and non-polar, at codon 30 of the RP2 protein (p.Asp30Gly). This variant is not present in population databases (gnomAD no frequency). This variant has not been reported in the literature in individuals affected with RP2-related conditions. Invitae Evidence Modeling of protein sequence and biophysical properties (such as structural, functional, and spatial information, amino acid conservation, physicochemical variation, residue mobility, and thermodynamic stability) has been performed for this missense variant. However, the output from this modeling did not meet the statistical confidence thresholds required to predict the impact of this variant on RP2 protein function. In summary, the available evidence is currently insufficient to determine the role of this variant in disease. Therefore, it has been classified as a Variant of Uncertain Significance.

Dr. Peter K. Rogan Lab, Western University
No classification provided (evidence only). Condition: Nonpapillary renal cell carcinoma. Review status: no classification provided. Collection method: in vitro. Allele origin: not applicable. Functional consequence: retained intron. Not counted in ClinVar's aggregate classification.

NM_006915.3(RP2):c.89A>G (p.Asp30Gly)

Gene: RP2 (RP2 activator of ARL3 GTPase; plus strand). Cytogenetic location: Xp11.3.
Variant type: single nucleotide variant.
Coding change: c.89A>G on transcript NM_006915.3 (MANE Select); coding-DNA position 89, A replaced by G.
Protein change: p.Asp30Gly; replaces aspartic acid 30 with glycine.
Molecular consequence: missense variant.
Genome position (GRCh38, 1-based): chrX:46,837,189, A>G. VCF-style: chrX-46837189-A-G. GRCh37 (hg19) VCF-style: chrX-46696624-A-G.
Other names: short protein forms D30G.
Identifiers: ClinVar variation 3610899 (VCV003610899.3).